The following is an entry in ClinVar:

ClinVar aggregate classification (germline): Likely benign. Review status: criteria provided, single submitter (1 of 4 stars). 2 submissions from 2 submitters: Likely benign (1). 1 of the submissions does not count toward it. Last evaluated 2025-06-05.

Conditions:
NDUFB11-related disorders. Also called: NDUFB11-related disorder; NDUFB11-related condition. Identifiers: MedGen CN378754, MONDO:1040023.

Allele frequency attached by ClinVar (database versions not stated): gnomAD exomes below 0.00001.
gnomAD v4.1: 1 of 459,217 alleles (0.00022%); highest among the groups gnomAD compares: Non-Finnish European, 0.00029%; no homozygotes.

Submissions (2):

Women's Health and Genetics/Laboratory Corporation of America, LabCorp
Classification: Likely benign. Last evaluated: 2025-06-05. Review status: criteria provided, single submitter. Criteria: LabCorp Variant Classification Summary - May 2015. Collection method: clinical testing. Allele origin: germline.

PreventionGenetics, part of Exact Sciences
Classification: Likely benign for NDUFB11-related condition. Last evaluated: 2022-02-15. Review status: no assertion criteria provided. Collection method: clinical testing. Allele origin: germline. Not counted in ClinVar's aggregate classification.
Comment: This variant is classified as likely benign based on ACMG/AMP sequence variant interpretation guidelines (Richards et al. 2015 PMID: 25741868, with internal and published modifications).

NM_001135998.3(NDUFB11):c.198G>A (p.Leu66=)

Gene: NDUFB11 (NADH:ubiquinone oxidoreductase subunit B11; minus strand). Cytogenetic location: Xp11.3.
Variant type: single nucleotide variant.
Coding change: c.198G>A on transcript NM_001135998.3 (MANE Select); coding-DNA position 198, G replaced by A.
Protein change: p.Leu66=; no amino-acid change (leucine 66 retained).
Molecular consequence: synonymous variant.
Genome position (GRCh38, 1-based): chrX:47,144,482, C>T on the plus strand (G>A on the coding strand, the complement: NDUFB11 is on the minus strand). VCF-style: chrX-47144482-C-T. GRCh37 (hg19) VCF-style: chrX-47003881-C-T.
Other names: c.198G>A, p.Leu66= (NM_019056.7).
Identifiers: ClinVar variation 3046527 (VCV003046527.3), dbSNP rs1322948102, ClinGen allele CA515978594.